The following is an entry in ClinVar:

GRCh37/hg19 17q12(chr17:33316754-33890206)x1

Genes: NLE1 (notchless homolog 1; minus strand), SLFN5 (schlafen family member 5; plus strand), UNC45B (unc-45 myosin chaperone B; plus strand), FNDC8 (fibronectin type III domain containing 8; plus strand), LIG3 (DNA ligase 3; plus strand) and 8 more. Cytogenetic location: 17q12.
Variant type: copy number loss.
Change: copy number 1 (one copy instead of two) of chr17:33,316,754-33,890,206 (573.5 kb, GRCh37 coordinates, 1-based), cytogenetic band 17q12.
Identifiers: ClinVar variation 3063495 (VCV003063495.2).

ClinVar aggregate classification (germline): no classifications from unflagged records (0 of 4 stars; one submission).

Submission:

ARUP Laboratories, Cytogenetics and Genomic Microarray, ARUP Laboratories
Classification: Pathogenic. Last evaluated: 2026-02-02. Review status: flagged submission. Criteria: ARUP Cytogenomic Constitutional CNV Assertion Criteria. Collection method: clinical testing. Allele origin: germline. Observed: 1 variant allele.
ClinVar note: Notes: This submission was flagged because its interpretation of this variant conflicts with the ClinGen Gene Dosage Map curation for the gene RAD51D.
ClinVar note: Reason: Conflict with ClinGen Gene Dosage Map